The following is an entry in ClinVar:

ClinVar aggregate classification (germline): Pathogenic (1 of 4 stars; one submission).

Conditions:
Intellectual developmental disorder, X-linked 19. Also called: Intellectual disability, X-linked 19. Identifiers: Orphanet 777, MedGen C0796225, MONDO:0010447, OMIM 300844.
Coffin-Lowry syndrome (CLS). Also called: COFFIN-LOWRY SYNDROME, MILD; Mental retardation with osteocartilaginous abnormalities. Identifiers: Orphanet 192, MedGen C0265252, MONDO:0010561, OMIM 303600.

Submission:

Labcorp Genetics (formerly Invitae), Labcorp
Classification: Pathogenic for Coffin-Lowry syndrome; Intellectual developmental disorder, X-linked 19. Last evaluated: 2021-02-13. Review status: criteria provided, single submitter. Criteria: Invitae Variant Classification Sherloc (09022015). Collection method: clinical testing. Allele origin: germline.
Comment: For these reasons, this variant has been classified as Pathogenic. This variant has not been reported in the literature in individuals with RPS6KA3-related conditions. This variant is not present in population databases (ExAC no frequency). This sequence change creates a premature translational stop signal (p.Ser248Glufs*3) in the RPS6KA3 gene. It is expected to result in an absent or disrupted protein product. Loss-of-function variants in RPS6KA3 are known to be pathogenic (PMID: 9837815, 19888300).

Literature cited by the submitters: PubMed 9837815; PubMed 19888300.

NM_004586.3(RPS6KA3):c.740dup (p.Ser248fs)

Gene: RPS6KA3 (ribosomal protein S6 kinase A3; minus strand). Cytogenetic location: Xp22.12.
Variant type: Duplication.
Coding change: c.740dup on transcript NM_004586.3 (MANE Select); coding-DNA position 740, one base duplicated (A; older notation c.740dupA).
Protein change: p.Ser248fs; shifts the reading frame from serine 248.
Molecular consequence: frameshift variant.
Genome position (GRCh38, 1-based): chrX:20,187,862, T duplicated on the plus strand (A on the coding strand, the reverse complement: RPS6KA3 is on the minus strand). VCF-style (leftmost placement, unchanged base first): chrX-20187861-C-CT. GRCh37 (hg19) VCF-style: chrX-20205979-C-CT.
Other names: short protein forms S248fs.
Identifiers: ClinVar variation 1451836 (VCV001451836.6), dbSNP rs2148686409, ClinGen allele CA2573158508.